The following is an entry in ClinVar:

ClinVar aggregate classification (germline): Likely benign. Review status: criteria provided, multiple submitters, no conflicts (2 of 4 stars). 3 submissions from 3 submitters: Likely benign (2). 1 of the submissions does not count toward it. Last evaluated 2026-01-27.

Conditions:
Meckel-Gruber syndrome. Also called: DYSENCEPHALIA SPLANCHNOCYSTICA; GRUBER SYNDROME; Dysencephalia splachnocystica. Identifiers: Orphanet 564, MedGen C0265215, MONDO:0018921.
Joubert syndrome. Also called: JOUBERT-BOLTSHAUSER SYNDROME; Familial aplasia of the vermis. Identifiers: Orphanet 475, MedGen C5979921, MONDO:0018772.
TCTN2-related disorder. Also called: TCTN2-related condition; TCTN2-related disorders. Identifiers: MedGen CN239412.

Allele frequency attached by ClinVar (database versions not stated): gnomAD exomes 0.00009 and 0.00025; TOPMed 0.00013; ExAC 0.00026; gnomAD 0.00026 and 0.00028.
gnomAD v4.1: 165 of 1,614,072 alleles (0.01%); highest among the groups gnomAD compares: Admixed American, 0.04%; no homozygotes.

Submissions (3):

Labcorp Genetics (formerly Invitae), Labcorp
Classification: Likely benign for Joubert syndrome; Meckel-Gruber syndrome. Last evaluated: 2026-01-27. Review status: criteria provided, single submitter. Criteria: Invitae Variant Classification Sherloc (09022015). Collection method: clinical testing. Allele origin: germline.

Blueprint Genetics
Classification: Likely benign. Last evaluated: 2024-06-07. Review status: criteria provided, single submitter. Criteria: ACMG Guidelines, 2015. Collection method: clinical testing. Allele origin: germline.

PreventionGenetics, part of Exact Sciences
Classification: Likely benign for TCTN2-related condition. Last evaluated: 2020-10-19. Review status: no assertion criteria provided. Collection method: clinical testing. Allele origin: germline. Not counted in ClinVar's aggregate classification.
Comment: This variant is classified as likely benign based on ACMG/AMP sequence variant interpretation guidelines (Richards et al. 2015 PMID: 25741868, with internal and published modifications).

NM_024809.5(TCTN2):c.612C>T (p.Thr204=)

Gene: TCTN2 (tectonic family member 2; plus strand). Cytogenetic location: 12q24.31.
Variant type: single nucleotide variant.
Coding change: c.612C>T on transcript NM_024809.5 (MANE Select); coding-DNA position 612, C replaced by T.
Protein change: p.Thr204=; no amino-acid change (threonine 204 retained).
Molecular consequence: synonymous variant.
Genome position (GRCh38, 1-based): chr12:123,686,883, C>T. VCF-style: chr12-123686883-C-T. GRCh37 (hg19) VCF-style: chr12-124171430-C-T.
Other names: c.609C>T, p.Thr203= (NM_001143850.3).
Identifiers: ClinVar variation 699847 (VCV000699847.13), dbSNP rs761526808, ClinGen allele CA6860943.